The following is an entry in ClinVar:

ClinVar aggregate classification (germline): Likely benign. Review status: criteria provided, multiple submitters, no conflicts (2 of 4 stars). 2 submissions from 2 submitters: Likely benign (2). Last evaluated 2026-03-27.

Conditions:
Dilated cardiomyopathy 1G (CMD1G). Identifiers: Orphanet 154, MedGen C1858763, MONDO:0011400, OMIM 604145.
Autosomal recessive limb-girdle muscular dystrophy type 2J (LGMDR10). Also called: Limb-girdle muscular dystrophy, type 2J; MUSCULAR DYSTROPHY, LIMB-GIRDLE, AUTOSOMAL RECESSIVE 10. Identifiers: Orphanet 140922, MedGen C1837342, MONDO:0012127, OMIM 608807.

Allele frequency attached by ClinVar (database versions not stated): ExAC 0.00001; ESP Exome Variant Server 0.00008; gnomAD exomes below 0.00001.
gnomAD v4.1: 2 of 1,613,312 alleles (0.00012%); highest among the groups gnomAD compares: Non-Finnish European, 0.00017%; no homozygotes.

Submissions (2):

Molecular Diagnostic Laboratory for Inherited Cardiovascular Disease, Montreal Heart Institute
Classification: Likely benign. Last evaluated: 2026-03-27. Review status: criteria provided, single submitter. Criteria: ACMG Guidelines, 2015. Collection method: clinical testing. Allele origin: germline. Affected: no.
Comment: BP7

Labcorp Genetics (formerly Invitae), Labcorp
Classification: Likely benign for Dilated cardiomyopathy 1G; Autosomal recessive limb-girdle muscular dystrophy type 2J. Last evaluated: 2023-05-22. Review status: criteria provided, single submitter. Criteria: Invitae Variant Classification Sherloc (09022015). Collection method: clinical testing. Allele origin: germline.

NM_001267550.2(TTN):c.16680C>T (p.Ala5560=)

Gene: TTN (titin; minus strand). Cytogenetic location: 2q31.2.
Variant type: single nucleotide variant.
Coding change: c.16680C>T on transcript NM_001267550.2 (MANE Select); coding-DNA position 16680, C replaced by T.
Protein change: p.Ala5560=; no amino-acid change (alanine 5560 retained).
Molecular consequence: synonymous variant. On other transcripts: intron variant (3).
Genome position (GRCh38, 1-based): chr2:178,732,289, G>A on the plus strand (C>T on the coding strand, the complement: TTN is on the minus strand). VCF-style: chr2-178732289-G-A. GRCh37 (hg19) VCF-style: chr2-179597016-G-A.
Other names: c.15729C>T, p.Ala5243= (NM_001256850.1); c.12948C>T, p.Ala4316= (NM_133378.4); c.13282+5793C>T (NM_003319.4); c.13858+5793C>T (NM_133437.4); c.13657+5793C>T (NM_133432.3).
Identifiers: ClinVar variation 2082347 (VCV002082347.5), dbSNP rs372727540, ClinGen allele CA2001991.
Genomic context (GRCh38, chr2:178,732,289, plus strand): 5'-ATTTGCAAACCATGTTATTTTAATTGGAGGGGTACCAGTTACTTTGCAGGCTAGCTGGGT[G>A]GCATCTCCCTTCTTTAACAGCTGTGATGGCTCTAACTTTTCAACAAATGTGGCAGGTTCT-3'
Protein context (NP_001254479.2, residues 5550-5570): EPSQLLKKGD[Ala5560=]TQLACKVTGT